The following is an entry in ClinVar:

ClinVar aggregate classification (germline): Uncertain significance. Review status: criteria provided, multiple submitters, no conflicts (2 of 4 stars). 4 submissions from 4 submitters: Uncertain significance (4). Last evaluated 2026-02-27.

Conditions:
MYO3A-related disorder. Also called: MYO3A-related condition.

gnomAD v4.1: 19 of 1,613,830 alleles (0.0012%); highest among the groups gnomAD compares: Admixed American, 0.0033%; no homozygotes.

Submissions (4):

PreventionGenetics, part of Exact Sciences
Classification: Uncertain significance for MYO3A-related condition. Last evaluated: 2026-02-27. Review status: criteria provided, single submitter. Criteria: ACMG Guidelines, 2015. Collection method: clinical testing. Allele origin: germline.
Comment: The MYO3A c.1508G>A variant is predicted to result in the amino acid substitution p.Gly503Glu. This variant has been reported in the heterozygous state de novo in an individual with non-syndromic hearing loss (Table 2, Ramzan et al. 2023. PubMed ID: 37217689). This variant is reported in 0.0046% of alleles in individuals of European (Non-Finnish) descent in gnomAD. At this time, the clinical significance of this variant is uncertain due to the absence of conclusive functional and genetic evidence.

Labcorp Genetics (formerly Invitae), Labcorp
Classification: Uncertain significance. Last evaluated: 2025-07-16. Review status: criteria provided, single submitter. Criteria: Invitae Variant Classification Sherloc (09022015). Collection method: clinical testing. Allele origin: germline.
Comment: This sequence change replaces glycine, which is neutral and non-polar, with glutamic acid, which is acidic and polar, at codon 503 of the MYO3A protein (p.Gly503Glu). This variant is present in population databases (rs749920596, gnomAD 0.004%). This missense change has been observed in individual(s) with autosomal dominant deafness (PMID: 37217689). ClinVar contains an entry for this variant (Variation ID: 3360961). Invitae Evidence Modeling of protein sequence and biophysical properties (such as structural, functional, and spatial information, amino acid conservation, physicochemical variation, residue mobility, and thermodynamic stability) indicates that this missense variant is not expected to disrupt MYO3A protein function with a negative predictive value of 80%. In summary, the available evidence is currently insufficient to determine the role of this variant in disease. Therefore, it has been classified as a Variant of Uncertain Significance.

GeneDx
Classification: Uncertain significance. Last evaluated: 2023-07-14. Review status: criteria provided, single submitter. Criteria: GeneDx Variant Classification Process June 2021. Collection method: clinical testing. Allele origin: germline. Affected: yes.
Comment: In silico analysis supports that this missense variant has a deleterious effect on protein structure/function; Has not been previously published as pathogenic or benign to our knowledge

Blueprint Genetics
Classification: Uncertain significance. Last evaluated: 2022-10-05. Review status: criteria provided, single submitter. Criteria: ACMG Guidelines, 2015. Collection method: clinical testing. Allele origin: germline.

Literature cited by the submitters: PubMed 37217689 (cited by Labcorp Genetics (formerly Invitae), Labcorp).

NM_017433.5(MYO3A):c.1508G>A (p.Gly503Glu)

Gene: MYO3A (myosin IIIA; plus strand). Cytogenetic location: 10p12.1.
Variant type: single nucleotide variant.
Coding change: c.1508G>A on transcript NM_017433.5 (MANE Select); coding-DNA position 1508, G replaced by A.
Protein change: p.Gly503Glu; replaces glycine 503 with glutamic acid.
Molecular consequence: missense variant.
Genome position (GRCh38, 1-based): chr10:26,088,351, G>A. VCF-style: chr10-26088351-G-A. GRCh37 (hg19) VCF-style: chr10-26377280-G-A.
Other names: short protein forms G503E.
Identifiers: ClinVar variation 3360961 (VCV003360961.5).
Genomic context (GRCh38, chr10:26,088,351, plus strand): 5'-ATTCTAGCAGATTTGGAAAATACTTAGAAATGAAATTCACCTCTTCTGGAGCGGTAGTGG[G>A]AGCACAGATTTCTGAATATCTCCTGGAAAAATCCCGAGTTATCCACCAAGCTATGTAAGT-3'
Protein context (NP_059129.3, residues 493-513): MKFTSSGAVV[Gly503Glu]AQISEYLLEK